The following is an entry in ClinVar:

NM_007198.4(PLPBP):c.725T>C (p.Ile242Thr)

Gene: PLPBP (pyridoxal phosphate binding protein; plus strand). Cytogenetic location: 8p11.23.
Variant type: single nucleotide variant.
Coding change: c.725T>C on transcript NM_007198.4 (MANE Select); coding-DNA position 725, T replaced by C.
Protein change: p.Ile242Thr; replaces isoleucine 242 with threonine.
Molecular consequence: missense variant.
Genome position (GRCh38, 1-based): chr8:37,778,001, T>C. VCF-style: chr8-37778001-T-C. GRCh37 (hg19) VCF-style: chr8-37635519-T-C.
Other names: c.755T>C, p.Ile252Thr (NM_001349346.2); c.719T>C, p.Ile240Thr (NM_001349347.2); c.569T>C, p.Ile190Thr (NM_001349348.2); short protein forms I190T, I240T, I242T, I252T.
Identifiers: ClinVar variation 1917809 (VCV001917809.5), dbSNP rs2487398966, ClinGen allele CA370668904.

ClinVar aggregate classification (germline): Uncertain significance (1 of 4 stars; one submission).

Allele frequency attached by ClinVar (database versions not stated): gnomAD exomes below 0.00001.
gnomAD v4.1: 2 of 1,613,290 alleles (0.00012%); highest among the groups gnomAD compares: Non-Finnish European, 0.00017%; no homozygotes.

Submission:

Labcorp Genetics (formerly Invitae), Labcorp
Classification: Uncertain significance. Last evaluated: 2022-06-30. Review status: criteria provided, single submitter. Criteria: Invitae Variant Classification Sherloc (09022015). Collection method: clinical testing. Allele origin: germline.
Comment: In summary, the available evidence is currently insufficient to determine the role of this variant in disease. Therefore, it has been classified as a Variant of Uncertain Significance. Algorithms developed to predict the effect of missense changes on protein structure and function (SIFT, PolyPhen-2, Align-GVGD) all suggest that this variant is likely to be disruptive. This missense change has been observed in individual(s) with vitamin B6-responsive epilepsy (PMID: 31687261). This variant is not present in population databases (gnomAD no frequency). This sequence change replaces isoleucine, which is neutral and non-polar, with threonine, which is neutral and polar, at codon 242 of the PROSC protein (p.Ile242Thr).

Literature cited by the submitters: PubMed 31687261.